The following is an entry in ClinVar:

NM_178335.3(CCDC50):c.972C>G (p.Asp324Glu)

Gene: CCDC50 (coiled-coil domain containing 50; plus strand). Cytogenetic location: 3q28.
Variant type: single nucleotide variant.
Coding change: c.972C>G on transcript NM_178335.3 (MANE Select); coding-DNA position 972, C replaced by G.
Protein change: p.Asp324Glu; replaces aspartic acid 324 with glutamic acid.
Molecular consequence: missense variant. On other transcripts: intron variant (1).
Genome position (GRCh38, 1-based): chr3:191,375,585, C>G. VCF-style: chr3-191375585-C-G. GRCh37 (hg19) VCF-style: chr3-191093374-C-G.
Other names: c.449-4574C>G (NM_174908.4); short protein forms D324E.
Identifiers: ClinVar variation 1511207 (VCV001511207.6), dbSNP rs752997734, ClinGen allele CA355765218.

ClinVar aggregate classification (germline): Uncertain significance (1 of 4 stars; one submission).

gnomAD v4.1: 2 of 1,612,666 alleles (0.00012%); highest among the groups gnomAD compares: Middle Eastern, 0.017%; no homozygotes.

Submission:

Labcorp Genetics (formerly Invitae), Labcorp
Classification: Uncertain significance. Last evaluated: 2023-08-30. Review status: criteria provided, single submitter. Criteria: Invitae Variant Classification Sherloc (09022015). Collection method: clinical testing. Allele origin: germline.
Comment: This sequence change replaces aspartic acid, which is acidic and polar, with glutamic acid, which is acidic and polar, at codon 324 of the CCDC50 protein (p.Asp324Glu). This variant is not present in population databases (gnomAD no frequency). This variant has not been reported in the literature in individuals affected with CCDC50-related conditions. ClinVar contains an entry for this variant (Variation ID: 1511207). An algorithm developed to predict the effect of missense changes on protein structure and function (PolyPhen-2) suggests that this variant is likely to be disruptive. Algorithms developed to predict the effect of sequence changes on RNA splicing suggest that this variant may disrupt the consensus splice site. In summary, the available evidence is currently insufficient to determine the role of this variant in disease. Therefore, it has been classified as a Variant of Uncertain Significance.